The following is an entry in ClinVar:

ClinVar aggregate classification (germline): Likely benign (0 of 4 stars; one submission).

Conditions:
CARD10-related disorder. Also called: CARD10-related condition.

Allele frequency attached by ClinVar (database versions not stated): gnomAD exomes 0.00011; 1000 Genomes Project 0.00020; ExAC 0.00025; 1000 Genomes Project 30x 0.00031; gnomAD 0.00077; TOPMed 0.00082; ESP Exome Variant Server 0.00085.
gnomAD v4.1: 276 of 1,528,186 alleles (0.018%); highest among the groups gnomAD compares: African/African-American, 0.27%; no homozygotes.

Submission:

PreventionGenetics, part of Exact Sciences
Classification: Likely benign for CARD10-related condition. Last evaluated: 2019-03-06. Review status: no assertion criteria provided. Collection method: clinical testing. Allele origin: germline.
Comment: This variant is classified as likely benign based on ACMG/AMP sequence variant interpretation guidelines (Richards et al. 2015 PMID: 25741868, with internal and published modifications).

NM_014550.4(CARD10):c.1383+7G>A

Gene: CARD10 (caspase recruitment domain family member 10; minus strand). Cytogenetic location: 22q13.1.
Variant type: single nucleotide variant.
Coding change: c.1383+7G>A on transcript NM_014550.4 (MANE Select); 7 bases into the intron after coding-DNA position 1383, G replaced by A.
Molecular consequence: intron variant.
Genome position (GRCh38, 1-based): chr22:37,506,185, C>T on the plus strand (G>A on the coding strand, the complement: CARD10 is on the minus strand). VCF-style: chr22-37506185-C-T. GRCh37 (hg19) VCF-style: chr22-37902192-C-T.
Identifiers: ClinVar variation 3053147 (VCV003053147.2), dbSNP rs370693557, ClinGen allele CA10219874.